The following is an entry in ClinVar:

NM_001113378.2(FANCI):c.2336A>G (p.Lys779Arg)

Gene: FANCI (FA complementation group I; plus strand). Cytogenetic location: 15q26.1.
Variant type: single nucleotide variant.
Coding change: c.2336A>G on transcript NM_001113378.2 (MANE Select); coding-DNA position 2336, A replaced by G.
Protein change: p.Lys779Arg; replaces lysine 779 with arginine.
Molecular consequence: missense variant.
Genome position (GRCh38, 1-based): chr15:89,293,877, A>G. VCF-style: chr15-89293877-A-G. GRCh37 (hg19) VCF-style: chr15-89837108-A-G.
Other names: c.2057A>G, p.Lys686Arg (NM_001376910.1); c.2336A>G, p.Lys779Arg (NM_001376911.1, NM_018193.3); short protein forms K686R, K779R.
Identifiers: ClinVar variation 1440404 (VCV001440404.6), dbSNP rs1323965441, ClinGen allele CA393750126.

ClinVar aggregate classification (germline): Uncertain significance (1 of 4 stars; one submission).

Conditions:
Fanconi anemia (FA). Also called: Fanconi's anemia. Identifiers: Orphanet 84, MedGen C0015625, MeSH D005199, MONDO:0019391.

Allele frequency attached by ClinVar (database versions not stated): gnomAD exomes below 0.00001; TOPMed 0.00001; gnomAD 0.00002.
gnomAD v4.1: 4 of 1,614,058 alleles (0.00025%); highest among the groups gnomAD compares: African/African-American, 0.0027%; no homozygotes.

Submission:

Labcorp Genetics (formerly Invitae), Labcorp
Classification: Uncertain significance for Fanconi anemia. Last evaluated: 2025-06-16. Review status: criteria provided, single submitter. Criteria: Invitae Variant Classification Sherloc (09022015). Collection method: clinical testing. Allele origin: germline.
Comment: This sequence change replaces lysine, which is basic and polar, with arginine, which is basic and polar, at codon 779 of the FANCI protein (p.Lys779Arg). This variant is present in population databases (no rsID available, gnomAD 0.004%). This variant has not been reported in the literature in individuals affected with FANCI-related conditions. ClinVar contains an entry for this variant (Variation ID: 1440404). Invitae Evidence Modeling of protein sequence and biophysical properties (such as structural, functional, and spatial information, amino acid conservation, physicochemical variation, residue mobility, and thermodynamic stability) indicates that this missense variant is not expected to disrupt FANCI protein function with a negative predictive value of 80%. Algorithms developed to predict the effect of sequence changes on RNA splicing suggest that this variant may disrupt the consensus splice site. In summary, the available evidence is currently insufficient to determine the role of this variant in disease. Therefore, it has been classified as a Variant of Uncertain Significance.